The following is an entry in ClinVar:

NM_145298.6(APOBEC3F):c.1037A>G (p.Asn346Ser)

Gene: APOBEC3F (apolipoprotein B mRNA editing enzyme catalytic subunit 3F; plus strand). Cytogenetic location: 22q13.1.
Variant type: single nucleotide variant.
Coding change: c.1037A>G on transcript NM_145298.6 (MANE Select); coding-DNA position 1037, A replaced by G.
Protein change: p.Asn346Ser; replaces asparagine 346 with serine.
Molecular consequence: missense variant.
Genome position (GRCh38, 1-based): chr22:39,052,610, A>G. VCF-style: chr22-39052610-A-G. GRCh37 (hg19) VCF-style: chr22-39448615-A-G.
Other names: short protein forms N346S.
Identifiers: ClinVar variation 774749 (VCV000774749.28), dbSNP rs13056825, ClinGen allele CA10238986.

ClinVar aggregate classification (germline): Benign/Likely benign. Review status: criteria provided, multiple submitters, no conflicts (2 of 4 stars). 3 submissions from 3 submitters: Benign (2); Likely benign (1). Last evaluated 2023-02-01.

Allele frequency attached by ClinVar (database versions not stated): 1000 Genomes Project 0.00419; 1000 Genomes Project 30x 0.00468; gnomAD 0.00576 and 0.00586; ExAC 0.00578; ESP Exome Variant Server 0.00607; TOPMed 0.00611.
gnomAD v4.1: 12,268 of 1,613,938 alleles (0.76%); highest among the groups gnomAD compares: Admixed American, 0.91%; 63 homozygotes.

Submissions (3):

CeGaT Center for Human Genetics Tuebingen
Classification: Likely benign. Last evaluated: 2023-02-01. Review status: criteria provided, single submitter. Criteria: CeGaT Center For Human Genetics Tuebingen Variant Classification Criteria Version 2. Collection method: clinical testing. Allele origin: germline. Affected: yes. Observed: 1 variant allele.
Comment: APOBEC3F: BP4, BS2

Labcorp Genetics (formerly Invitae), Labcorp
Classification: Benign. Last evaluated: 2018-08-14. Review status: criteria provided, single submitter. Criteria: Invitae Variant Classification Sherloc (09022015). Collection method: clinical testing. Allele origin: germline.

Breakthrough Genomics
Classification: Benign. Review status: criteria provided, single submitter. Criteria: ACMG Guidelines, 2015. Collection method: not provided. Allele origin: germline. Inheritance: Unknown mechanism. Affected: yes.